The following is an entry in ClinVar:

NM_004006.3(DMD):c.10224-5_10227delinsATTATACTTTAAGTTTTAGGGTACATGTGCACAATGTGCAGGTTA

Gene: DMD (dystrophin; minus strand). Cytogenetic location: Xp21.2.
Variant type: Indel.
Coding change: c.10224-5_10227delinsATTATACTTTAAGTTTTAGGGTACATGTGCACAATGTGCAGGTTA on transcript NM_004006.3 (MANE Select); 5 bases into the intron before coding-DNA position 10224 through coding-DNA position 10227, the reference bases replaced by an inserted sequence.
Molecular consequence: splice acceptor variant. On other transcripts: intron variant (5).
Genome position (GRCh38, 1-based): chrX:31,177,967-31,177,975, 9 bases replaced. GRCh37 (hg19): chrX:31,196,084-31,196,092.
Other names: c.10200-5_10203delinsATTATACTTTAAGTTTTAGGGTACATGTGCACAATGTGCAGGTTA (NM_000109.4); c.6201-5_6204delinsATTATACTTTAAGTTTTAGGGTACATGTGCACAATGTGCAGGTTA (NM_004011.4); c.6192-5_6195delinsATTATACTTTAAGTTTTAGGGTACATGTGCACAATGTGCAGGTTA (NM_004012.4); c.2843+694_2843+702delinsATTATACTTTAAGTTTTAGGGTACATGTGCACAATGTGCAGGTTA (NM_004023.3, NM_004020.4, NM_004022.3); c.2844-5_2847delinsATTATACTTTAAGTTTTAGGGTACATGTGCACAATGTGCAGGTTA (NM_004021.3, NM_004013.3); c.2037-5_2040delinsATTATACTTTAAGTTTTAGGGTACATGTGCACAATGTGCAGGTTA (NM_004014.3); c.1019+694_1019+702delinsATTATACTTTAAGTTTTAGGGTACATGTGCACAATGTGCAGGTTA (NM_004018.3, NM_004017.3); c.1020-5_1023delinsATTATACTTTAAGTTTTAGGGTACATGTGCACAATGTGCAGGTTA (NM_004016.3, NM_004015.3); and 2 more.
Identifiers: ClinVar variation 4241391 (VCV004241391.1).

ClinVar aggregate classification (germline): Uncertain significance (1 of 4 stars; one submission).

Conditions:
Cardiovascular phenotype. Identifiers: MedGen CN230736.

Submission:

Ambry Genetics
Classification: Uncertain significance for Cardiovascular phenotype. Last evaluated: 2025-07-15. Review status: criteria provided, single submitter. Criteria: Ambry Variant Classification Scheme 2023. Collection method: clinical testing. Allele origin: germline.
Comment: The c.10224-5_10227delTGCAGTCCCins45 intronic variant, results from a deletion of TGCAGTCCC and an insertion of ATTATACTTTAAGTTTTAGGGTACATGTGCACAATGTGCAGGTTA five nucleotides upstream from coding exon 71 of the DMD gene. This nucleotide region ranges from highly conserved to poorly conserved in available vertebrate species. In silico splice site analysis predicts that this alteration will weaken the native splice acceptor site. Since supporting evidence is limited at this time, the clinical significance of this alteration remains unclear.